The following is an entry in ClinVar:

ClinVar aggregate classification (germline): Uncertain significance (1 of 4 stars; one submission).

Conditions:
Idiopathic Pulmonary Fibrosis. Also called: Idiopathic fibrosing alveolitis, chronic form; idiopathic fibrosing alveolitis. Identifiers: Orphanet 2032, MedGen C1800706, MeSH D054990, MONDO:0800504.
Dyskeratosis congenita, autosomal dominant 2. Identifiers: MedGen C3151443, MONDO:0013521, OMIM 613989.

Submission:

Labcorp Genetics (formerly Invitae), Labcorp
Classification: Uncertain significance for Dyskeratosis congenita, autosomal dominant 2; Idiopathic Pulmonary Fibrosis. Last evaluated: 2021-12-15. Review status: criteria provided, single submitter. Criteria: Invitae Variant Classification Sherloc (09022015). Collection method: clinical testing. Allele origin: germline.
Comment: Advanced modeling of protein sequence and biophysical properties (such as structural, functional, and spatial information, amino acid conservation, physicochemical variation, residue mobility, and thermodynamic stability) performed at Invitae indicates that this missense variant is not expected to disrupt TERT protein function. In summary, the available evidence is currently insufficient to determine the role of this variant in disease. Therefore, it has been classified as a Variant of Uncertain Significance. This variant has not been reported in the literature in individuals affected with TERT-related conditions. This variant is not present in population databases (gnomAD no frequency). This sequence change replaces aspartic acid, which is acidic and polar, with glutamic acid, which is acidic and polar, at codon 807 of the TERT protein (p.Asp807Glu).

NM_198253.3(TERT):c.2421C>G (p.Asp807Glu)

Gene: TERT (telomerase reverse transcriptase; minus strand). Cytogenetic location: 5p15.33.
Variant type: single nucleotide variant.
Coding change: c.2421C>G on transcript NM_198253.3 (MANE Select); coding-DNA position 2421, C replaced by G.
Protein change: p.Asp807Glu; replaces aspartic acid 807 with glutamic acid.
Molecular consequence: missense variant.
Genome position (GRCh38, 1-based): chr5:1,271,166, G>C on the plus strand (C>G on the coding strand, the complement: TERT is on the minus strand). VCF-style: chr5-1271166-G-C. GRCh37 (hg19) VCF-style: chr5-1271281-G-C.
Other names: c.2421C>G, p.Asp807Glu (NM_001193376.3); short protein forms D807E.
Identifiers: ClinVar variation 1383593 (VCV001383593.6), dbSNP rs771997164, ClinGen allele CA359075753.